The following is an entry in ClinVar:

ClinVar aggregate classification (germline): Uncertain significance. Review status: criteria provided, single submitter (1 of 4 stars). 2 submissions from 2 submitters: Uncertain significance (1). 1 of the submissions does not count toward it. Last evaluated 2022-12-21.

Conditions:
TUB-related disorder. Also called: TUB-related condition.

Allele frequency attached by ClinVar (database versions not stated): gnomAD exomes 0.00001; TOPMed 0.00002; ExAC 0.00003; gnomAD 0.00003; ESP Exome Variant Server 0.00008.
gnomAD v4.1: 22 of 1,609,672 alleles (0.0014%); highest among the groups gnomAD compares: South Asian, 0.0099%; no homozygotes.

Submissions (2):

Labcorp Genetics (formerly Invitae), Labcorp
Classification: Uncertain significance. Last evaluated: 2022-12-21. Review status: criteria provided, single submitter. Criteria: Invitae Variant Classification Sherloc (09022015). Collection method: clinical testing. Allele origin: germline.
Comment: In summary, the available evidence is currently insufficient to determine the role of this variant in disease. Therefore, it has been classified as a Variant of Uncertain Significance. Algorithms developed to predict the effect of sequence changes on RNA splicing suggest that this variant is not likely to affect RNA splicing. This variant has not been reported in the literature in individuals affected with TUB-related conditions. This variant is present in population databases (rs147394931, gnomAD 0.02%). This sequence change affects codon 427 of the TUB mRNA. It is a 'silent' change, meaning that it does not change the encoded amino acid sequence of the TUB protein. It affects a nucleotide within the consensus splice site.

PreventionGenetics, part of Exact Sciences
Classification: Likely benign for TUB-related condition. Last evaluated: 2023-03-03. Review status: no assertion criteria provided. Collection method: clinical testing. Allele origin: germline. Not counted in ClinVar's aggregate classification.
Comment: This variant is classified as likely benign based on ACMG/AMP sequence variant interpretation guidelines (Richards et al. 2015 PMID: 25741868, with internal and published modifications).

NM_177972.3(TUB):c.1116C>T (p.Tyr372=)

Genes: TUB (TUB bipartite transcription factor; plus strand), RIC3 (RIC3 acetylcholine receptor chaperone; minus strand). Cytogenetic location: 11p15.4.
Variant type: single nucleotide variant.
Coding change: c.1116C>T on transcript NM_177972.3 (MANE Select); coding-DNA position 1116, C replaced by T.
Protein change: p.Tyr372=; no amino-acid change (tyrosine 372 retained).
Molecular consequence: synonymous variant.
Genome position (GRCh38, 1-based): chr11:8,098,875, C>T. VCF-style: chr11-8098875-C-T. GRCh37 (hg19) VCF-style: chr11-8120422-C-T.
Other names: c.1281C>T (NM_003320.4); c.1281C>T, p.Tyr427= (NM_003320.5).
Identifiers: ClinVar variation 2082687 (VCV002082687.3), dbSNP rs147394931, ClinGen allele CA5871333.